The following is an entry in ClinVar:

NM_018896.5(CACNA1G):c.2621TCTTCA[2] (p.876IF[1])

Gene: CACNA1G (calcium voltage-gated channel subunit alpha1 G; plus strand). Cytogenetic location: 17q21.33.
Variant type: Microsatellite.
Coding change: c.2621TCTTCA[2] on transcript NM_018896.5 (MANE Select); two copies in a row of the 6-base unit TCTTCA starting at c.2621; the reference has three copies in a row; one copy, 6 bases deleted.
Protein change: p.876IF[1].
Molecular consequence: non-coding transcript variant (on NR_046054.2).
Genome position (GRCh38, 1-based): chr17:50,591,614-50,591,619, TCTTCA deleted; deleting any 6 consecutive bases within chr17:50,591,602-50,591,619 gives the same sequence; the position shown is the placement nearest the transcript's 3' end. VCF-style (leftmost placement, unchanged base first): chr17-50591601-CTCTTCA-C. GRCh37 (hg19) VCF-style: chr17-48668962-CTCTTCA-C.
Other names: c.2621TCTTCA[2], p.876IF[1] (NM_001256324.2, NM_001256325.2, NM_001256326.2 and 24 more transcripts).
Identifiers: ClinVar variation 3362215 (VCV003362215.1).

ClinVar aggregate classification (germline): Uncertain significance (1 of 4 stars; one submission).

Submission:

GeneDx
Classification: Uncertain significance. Last evaluated: 2023-06-01. Review status: criteria provided, single submitter. Criteria: GeneDx Variant Classification Process June 2021. Collection method: clinical testing. Allele origin: germline. Affected: yes.
Comment: Not observed at significant frequency in large population cohorts (gnomAD); In-frame deletion of 2 amino acids in a non-repeat region; In silico analysis supports that this variant does not alter protein structure/function; Has not been previously published as pathogenic or benign to our knowledge